The following is an entry in ClinVar:

NM_001101362.3(KBTBD13):c.175C>T (p.Arg59Cys)

Gene: KBTBD13 (kelch repeat and BTB domain containing 13; plus strand). Cytogenetic location: 15q22.31.
Variant type: single nucleotide variant.
Coding change: c.175C>T on transcript NM_001101362.3 (MANE Select); coding-DNA position 175, C replaced by T.
Protein change: p.Arg59Cys; replaces arginine 59 with cysteine.
Molecular consequence: missense variant.
Genome position (GRCh38, 1-based): chr15:65,076,990, C>T. VCF-style: chr15-65076990-C-T. GRCh37 (hg19) VCF-style: chr15-65369328-C-T.
Other names: short protein forms R59C.
Identifiers: ClinVar variation 1029078 (VCV001029078.4), dbSNP rs1406748219, ClinGen allele CA392856848.

ClinVar aggregate classification (germline): Uncertain significance. Review status: criteria provided, multiple submitters, no conflicts (2 of 4 stars). 2 submissions from 2 submitters: Uncertain significance (2). Last evaluated 2023-06-06.

Conditions:
Nemaline myopathy 6 (NEM6). Also called: Nemaline myopathy 6, autosomal dominant. Identifiers: Orphanet 171439, MedGen C1836472, MONDO:0012237, OMIM 609273.

Allele frequency attached by ClinVar (database versions not stated): gnomAD exomes below 0.00001; TOPMed 0.00002.

Submissions (2):

Labcorp Genetics (formerly Invitae), Labcorp
Classification: Uncertain significance for Nemaline myopathy 6. Last evaluated: 2023-06-06. Review status: criteria provided, single submitter. Criteria: Invitae Variant Classification Sherloc (09022015). Collection method: clinical testing. Allele origin: germline.
Comment: In summary, the available evidence is currently insufficient to determine the role of this variant in disease. Therefore, it has been classified as a Variant of Uncertain Significance. Advanced modeling of protein sequence and biophysical properties (such as structural, functional, and spatial information, amino acid conservation, physicochemical variation, residue mobility, and thermodynamic stability) performed at Invitae indicates that this missense variant is not expected to disrupt KBTBD13 protein function. ClinVar contains an entry for this variant (Variation ID: 1029078). This variant has not been reported in the literature in individuals affected with KBTBD13-related conditions. This variant is not present in population databases (gnomAD no frequency). This sequence change replaces arginine, which is basic and polar, with cysteine, which is neutral and slightly polar, at codon 59 of the KBTBD13 protein (p.Arg59Cys).

Baylor Genetics
Classification: Uncertain significance for Nemaline myopathy 6. Last evaluated: 2020-09-30. Review status: criteria provided, single submitter. Criteria: ACMG Guidelines, 2015. Collection method: clinical testing. Allele origin: unknown. Affected: yes.
Comment: This variant was determined to be of uncertain significance according to ACMG Guidelines, 2015 [PMID:25741868].